The following is an entry in ClinVar:

NM_002972.4(SBF1):c.4697A>G (p.Glu1566Gly)

Gene: SBF1 (SET binding factor 1; minus strand). Cytogenetic location: 22q13.33.
Variant type: single nucleotide variant.
Coding change: c.4697A>G on transcript NM_002972.4 (MANE Select); coding-DNA position 4697, A replaced by G.
Protein change: p.Glu1566Gly; replaces glutamic acid 1566 with glycine.
Molecular consequence: missense variant.
Genome position (GRCh38, 1-based): chr22:50,454,929, T>C on the plus strand (A>G on the coding strand, the complement: SBF1 is on the minus strand). VCF-style: chr22-50454929-T-C. GRCh37 (hg19) VCF-style: chr22-50893358-T-C.
Other names: c.4622A>G, p.Glu1541Gly (NM_001365819.1); short protein forms E1541G, E1566G.
Identifiers: ClinVar variation 1352822 (VCV001352822.5), dbSNP rs531165508, ClinGen allele CA10316156.

ClinVar aggregate classification (germline): Uncertain significance (1 of 4 stars; one submission).

Allele frequency attached by ClinVar (database versions not stated): ExAC 0.00001; 1000 Genomes Project 0.00020; 1000 Genomes Project 30x 0.00031.

Submission:

Labcorp Genetics (formerly Invitae), Labcorp
Classification: Uncertain significance. Last evaluated: 2022-06-20. Review status: criteria provided, single submitter. Criteria: Invitae Variant Classification Sherloc (09022015). Collection method: clinical testing. Allele origin: germline.
Comment: This variant is present in population databases (rs531165508, gnomAD 0.007%). This sequence change replaces glutamic acid, which is acidic and polar, with glycine, which is neutral and non-polar, at codon 1566 of the SBF1 protein (p.Glu1566Gly). This variant has not been reported in the literature in individuals affected with SBF1-related conditions. In summary, the available evidence is currently insufficient to determine the role of this variant in disease. Therefore, it has been classified as a Variant of Uncertain Significance. Algorithms developed to predict the effect of missense changes on protein structure and function are either unavailable or do not agree on the potential impact of this missense change (SIFT: "Tolerated"; PolyPhen-2: "Probably Damaging"; Align-GVGD: "Class C0").